The following is an entry in ClinVar:

NM_001256545.2(MEGF10):c.3232+8C>T

Gene: MEGF10 (multiple EGF like domains 10; plus strand). Cytogenetic location: 5q23.2.
Variant type: single nucleotide variant.
Coding change: c.3232+8C>T on transcript NM_001256545.2 (MANE Select); 8 bases into the intron after coding-DNA position 3232, C replaced by T.
Molecular consequence: intron variant.
Genome position (GRCh38, 1-based): chr5:127,455,615, C>T. VCF-style: chr5-127455615-C-T. GRCh37 (hg19) VCF-style: chr5-126791307-C-T.
Other names: c.3232+8C>T (NM_032446.3).
Identifiers: ClinVar variation 3029761 (VCV003029761.2), dbSNP rs1036130197, ClinGen allele CA126952547.

ClinVar aggregate classification (germline): Likely benign (0 of 4 stars; one submission).

Conditions:
MEGF10-related disorder. Also called: MEGF10-related condition.

gnomAD v4.1: 3 of 1,612,794 alleles (0.00019%); highest among the groups gnomAD compares: South Asian, 0.0033%; no homozygotes.

Submission:

PreventionGenetics, part of Exact Sciences
Classification: Likely benign for MEGF10-related condition. Last evaluated: 2023-03-28. Review status: no assertion criteria provided. Collection method: clinical testing. Allele origin: germline.
Comment: This variant is classified as likely benign based on ACMG/AMP sequence variant interpretation guidelines (Richards et al. 2015 PMID: 25741868, with internal and published modifications).